The following is an entry in ClinVar:

ClinVar aggregate classification (germline): Uncertain significance (1 of 4 stars; one submission).

Conditions:
Inborn genetic diseases. Identifiers: MedGen C0950123, MeSH D030342.

Submission:

Ambry Genetics
Classification: Uncertain significance for Inborn genetic diseases. Last evaluated: 2025-02-02. Review status: criteria provided, single submitter. Criteria: Ambry Variant Classification Scheme 2023. Collection method: clinical testing. Allele origin: germline.
Comment: The p.Y672F variant (also known as c.2015A>T), located in coding exon 8 of the MECOM gene, results from an A to T substitution at nucleotide position 2015. The tyrosine at codon 672 is replaced by phenylalanine, an amino acid with highly similar properties. This amino acid position is conserved. In addition, this alteration is predicted to be tolerated by in silico analysis. Based on the available evidence, the clinical significance of this variant remains unclear.

NM_004991.4(MECOM):c.2015A>T (p.Tyr672Phe)

Gene: MECOM (MDS1 and EVI1 complex locus; minus strand). Cytogenetic location: 3q26.2.
Variant type: single nucleotide variant.
Coding change: c.2015A>T on transcript NM_004991.4 (MANE Select); coding-DNA position 2015, A replaced by T.
Protein change: p.Tyr672Phe; replaces tyrosine 672 with phenylalanine.
Molecular consequence: missense variant. On other transcripts: intron variant (2).
Genome position (GRCh38, 1-based): chr3:169,115,857, T>A on the plus strand (A>T on the coding strand, the complement: MECOM is on the minus strand). VCF-style: chr3-169115857-T-A. GRCh37 (hg19) VCF-style: chr3-168833645-T-A.
Other names: c.1646A>T, p.Tyr549Phe (NM_001105077.4); c.1451A>T, p.Tyr484Phe (NM_001105078.4, NM_001164000.2, NM_001205194.2 and 4 more transcripts); c.1454A>T, p.Tyr485Phe (NM_001163999.2, NM_001366467.2, NM_001366468.2 and 1 more transcripts); c.2015A>T, p.Tyr672Phe (NM_001366466.2); c.1133-90A>T (NM_001366473.2); c.569-90A>T (NM_001366474.2); short protein forms Y485F, Y672F, Y484F, Y549F.
Identifiers: ClinVar variation 3871790 (VCV003871790.1).
Genomic context (GRCh38, chr3:169,115,857, plus strand): 5'-GGGTAAGGTAAAGCTCCAACTTTTTTGTCTTGCAGCCCCACCAGTCCTGTTGAACCAAAG[T>A]ATTTTTCAGCAATAGAAGCAATAGCCTTTATAGAATCATTCACAGCTCCTGACACCGCAG-3'
Protein context (NP_004982.2, residues 662-682): IKAIASIAEK[Tyr672Phe]FGSTGLVGLQ